The following is an entry in ClinVar:

NM_000059.4(BRCA2):c.1187C>T (p.Ser396Phe)

Gene: BRCA2 (BRCA2 DNA repair associated; plus strand). Cytogenetic location: 13q13.1.
Variant type: single nucleotide variant.
Coding change: c.1187C>T on transcript NM_000059.4 (MANE Select); coding-DNA position 1187, C replaced by T.
Protein change: p.Ser396Phe; replaces serine 396 with phenylalanine.
Molecular consequence: missense variant.
Genome position (GRCh38, 1-based): chr13:32,332,665, C>T. VCF-style: chr13-32332665-C-T. GRCh37 (hg19) VCF-style: chr13-32906802-C-T.
Other names: c.1187C>T, p.Ser396Phe (NM_001406719.1, NM_001406720.1, NM_001406721.1); short protein forms S396F.
Identifiers: ClinVar variation 1743746 (VCV001743746.4), dbSNP rs2137468510, ClinGen allele CA387762010.

ClinVar aggregate classification (germline): Conflicting classifications of pathogenicity. Review status: criteria provided, conflicting classifications (1 of 4 stars). 2 submissions from 2 submitters: Uncertain significance (1); Likely benign (1). Last evaluated 2023-03-23.

Conditions:
Hereditary cancer-predisposing syndrome. Also called: Hereditary Cancer Syndrome; Neoplastic Syndromes, Hereditary; Tumor predisposition; Hereditary neoplastic syndrome. Identifiers: Orphanet 140162, MedGen C0027672, MeSH D009386, MONDO:0015356.

Allele frequency attached by ClinVar (database versions not stated): gnomAD exomes below 0.00001.
gnomAD v4.1: 2 of 1,614,026 alleles (0.00012%); highest among the groups gnomAD compares: Non-Finnish European, 0.000085%; no homozygotes.

Submissions (2):

University of Washington Department of Laboratory Medicine, University of Washington
Classification: Likely benign for Hereditary cancer-predisposing syndrome. Last evaluated: 2023-03-23. Review status: criteria provided, single submitter. Criteria: Dines et al. (Genet Med. 2020). Collection method: curation. Allele origin: germline.
Comment: Missense variant in a coldspot region where missense variants are very unlikely to be pathogenic (PMID:31911673).

BRCA2 exon 10 coldspot. Reclassification based on statistical prior probability.

Ambry Genetics
Classification: Uncertain significance for Hereditary cancer-predisposing syndrome. Last evaluated: 2021-09-29. Review status: criteria provided, single submitter. Criteria: Ambry Variant Classification Scheme 2023. Collection method: clinical testing. Allele origin: germline.
Comment: The p.S396F variant (also known as c.1187C>T), located in coding exon 9 of the BRCA2 gene, results from a C to T substitution at nucleotide position 1187. The serine at codon 396 is replaced by phenylalanine, an amino acid with highly dissimilar properties. This amino acid position is well conserved in available vertebrate species. In addition, the in silico prediction for this alteration is inconclusive. Since supporting evidence is limited at this time, the clinical significance of this alteration remains unclear.